The following is an entry in ClinVar:

NM_000535.7(PMS2):c.2499C>A (p.His833Gln)

Gene: PMS2 (PMS1 homolog 2, mismatch repair system component; minus strand). Cytogenetic location: 7p22.1.
Variant type: single nucleotide variant.
Coding change: c.2499C>A on transcript NM_000535.7 (MANE Select); coding-DNA position 2499, C replaced by A.
Protein change: p.His833Gln; replaces histidine 833 with glutamine.
Molecular consequence: missense variant. On other transcripts: non-coding transcript variant (1).
Genome position (GRCh38, 1-based): chr7:5,973,489, G>T on the plus strand (C>A on the coding strand, the complement: PMS2 is on the minus strand). VCF-style: chr7-5973489-G-T. GRCh37 (hg19) VCF-style: chr7-6013120-G-T.
Other names: c.2094C>A, p.His698Gln (NM_001406890.1, NM_001406889.1, NM_001322005.2 and 11 more transcripts); c.2025C>A, p.His675Gln (NM_001406901.1, NM_001406902.1); c.2190C>A, p.His730Gln (NM_001322015.2, NM_001406882.1, NM_001406877.1 and 4 more transcripts); c.1938C>A, p.His646Gln (NM_001406906.1, NM_001406907.1, NM_001322010.2); c.1926C>A, p.His642Gln (NM_001406908.1, NM_001406909.1, NM_001322013.2); c.2685C>A, p.His895Gln (NM_001406866.1); c.2523C>A, p.His841Gln (NM_001406868.1); c.2391C>A, p.His797Gln (NM_001406869.1); and 20 more; short protein forms H594Q, H698Q, H709Q, H721Q, H792Q, H833Q, H841Q, H432Q.
Identifiers: ClinVar variation 3652089 (VCV003652089.2).

ClinVar aggregate classification (germline): Uncertain significance (1 of 4 stars; one submission).

Conditions:
Hereditary nonpolyposis colorectal neoplasms. Identifiers: MedGen C0009405, MeSH D003123.

Submission:

Labcorp Genetics (formerly Invitae), Labcorp
Classification: Uncertain significance for Hereditary nonpolyposis colorectal neoplasms. Last evaluated: 2024-05-04. Review status: criteria provided, single submitter. Criteria: Invitae Variant Classification Sherloc (09022015). Collection method: clinical testing. Allele origin: germline.
Comment: This sequence change replaces histidine, which is basic and polar, with glutamine, which is neutral and polar, at codon 833 of the PMS2 protein (p.His833Gln). The frequency data for this variant in the population databases (gnomAD) is considered unreliable due to the presence of homologous sequence, such as pseudogenes or paralogs, in the genome. This variant has not been reported in the literature in individuals affected with PMS2-related conditions. Advanced modeling of protein sequence and biophysical properties (such as structural, functional, and spatial information, amino acid conservation, physicochemical variation, residue mobility, and thermodynamic stability) has been performed at Invitae for this missense variant, however the output from this modeling did not meet the statistical confidence thresholds required to predict the impact of this variant on PMS2 protein function. In summary, the available evidence is currently insufficient to determine the role of this variant in disease. Therefore, it has been classified as a Variant of Uncertain Significance.